The following is an entry in ClinVar:

ClinVar aggregate classification (germline): Uncertain significance (1 of 4 stars; one submission).

Conditions:
Charcot-Marie-Tooth disease type 2. Also called: Charcot-Marie-Tooth type 2. Identifiers: Orphanet 64746, MedGen C0270914, MONDO:0018993.

Submission:

Labcorp Genetics (formerly Invitae), Labcorp
Classification: Uncertain significance for Charcot-Marie-Tooth disease type 2. Last evaluated: 2022-04-28. Review status: criteria provided, single submitter. Criteria: Invitae Variant Classification Sherloc (09022015). Collection method: clinical testing. Allele origin: germline.
Comment: In summary, the available evidence is currently insufficient to determine the role of this variant in disease. Therefore, it has been classified as a Variant of Uncertain Significance. Algorithms developed to predict the effect of missense changes on protein structure and function (SIFT, PolyPhen-2, Align-GVGD) all suggest that this variant is likely to be disruptive. This variant has not been reported in the literature in individuals affected with LMNA-related conditions. This variant is not present in population databases (gnomAD no frequency). This sequence change replaces serine, which is neutral and polar, with tryptophan, which is neutral and slightly polar, at codon 295 of the LMNA protein (p.Ser295Trp).

NM_170707.4(LMNA):c.884C>G (p.Ser295Trp)

Gene: LMNA (lamin A/C; plus strand). Cytogenetic location: 1q22.
Variant type: single nucleotide variant.
Coding change: c.884C>G on transcript NM_170707.4 (MANE Select); coding-DNA position 884, C replaced by G.
Protein change: p.Ser295Trp; replaces serine 295 with tryptophan.
Molecular consequence: missense variant.
Genome position (GRCh38, 1-based): chr1:156,135,260, C>G. VCF-style: chr1-156135260-C-G. GRCh37 (hg19) VCF-style: chr1-156105051-C-G.
Other names: c.548C>G, p.Ser183Trp (NM_001257374.3, NM_001406989.1, NM_001406998.1); c.641C>G, p.Ser214Trp (NM_001282624.2, NM_001406986.1, NM_001406987.1); c.884C>G, p.Ser295Trp (NM_001282625.2, NM_001282626.2, NM_001406983.1 and 6 more transcripts); c.587C>G, p.Ser196Trp (NM_001406988.1); c.326C>G, p.Ser109Trp (NM_001406990.1, NM_001406993.1, NM_001406995.1 and 4 more transcripts); c.220C>G, p.Arg74Gly (NM_001406994.1, NM_001406999.1, NM_001407000.1 and 1 more transcripts); short protein forms S183W, S196W, S295W, R74G, S109W, S214W.
Identifiers: ClinVar variation 2131158 (VCV002131158.4), dbSNP rs769210828, ClinGen allele CA342817753.